The following is an entry in ClinVar:

ClinVar aggregate classification (germline): Conflicting classifications of pathogenicity. Review status: criteria provided, conflicting classifications (1 of 4 stars). 4 submissions from 4 submitters: Uncertain significance (1); Likely benign (3). Last evaluated 2026-02-01.

Conditions:
Cardiovascular phenotype. Identifiers: MedGen CN230736.
Brugada syndrome 8 (BRGDA8). Identifiers: Orphanet 130, MedGen C2751083, MONDO:0013148, OMIM 613123.

Allele frequency attached by ClinVar (database versions not stated): ExAC 0.00001; gnomAD exomes 0.00002 and 0.00003; TOPMed 0.00003; gnomAD 0.00004 and 0.00006; 1000 Genomes Project 30x 0.00016.
gnomAD v4.1: 35 of 1,613,592 alleles (0.0022%); highest among the groups gnomAD compares: Middle Eastern, 0.017%; 1 homozygote.

Submissions (4):

Labcorp Genetics (formerly Invitae), Labcorp
Classification: Likely benign for Brugada syndrome 8. Last evaluated: 2026-02-01. Review status: criteria provided, single submitter. Criteria: Invitae Variant Classification Sherloc (09022015). Collection method: clinical testing. Allele origin: germline.

GeneDx
Classification: Uncertain significance. Last evaluated: 2024-12-04. Review status: criteria provided, single submitter. Criteria: GeneDx Variant Classification Process June 2021. Collection method: clinical testing. Allele origin: germline. Affected: yes.
Comment: Has not been previously published as pathogenic or benign to our knowledge; In silico analysis suggests this variant may impact gene splicing. In the absence of RNA/functional studies, the actual effect of this sequence change is unknown.

Blueprint Genetics
Classification: Likely benign. Last evaluated: 2021-11-16. Review status: criteria provided, single submitter. Criteria: ACMG Guidelines, 2015. Collection method: clinical testing. Allele origin: germline.

Ambry Genetics
Classification: Likely benign for Cardiovascular phenotype. Last evaluated: 2017-06-05. Review status: criteria provided, single submitter. Criteria: Ambry Variant Classification Scheme 2023. Collection method: clinical testing. Allele origin: germline.

NM_005477.3(HCN4):c.1722C>T (p.Ser574=)

Gene: HCN4 (hyperpolarization activated cyclic nucleotide gated potassium channel 4; minus strand). Cytogenetic location: 15q24.1.
Variant type: single nucleotide variant.
Coding change: c.1722C>T on transcript NM_005477.3 (MANE Select); coding-DNA position 1722, C replaced by T.
Protein change: p.Ser574=; no amino-acid change (serine 574 retained).
Molecular consequence: synonymous variant.
Genome position (GRCh38, 1-based): chr15:73,325,313, G>A on the plus strand (C>T on the coding strand, the complement: HCN4 is on the minus strand). VCF-style: chr15-73325313-G-A. GRCh37 (hg19) VCF-style: chr15-73617654-G-A.
Identifiers: ClinVar variation 387604 (VCV000387604.17), dbSNP rs750941501, ClinGen allele CA7649222.